The following is an entry in ClinVar:

NM_001261826.3(AP3D1):c.349C>T (p.Arg117Cys)

Gene: AP3D1 (adaptor related protein complex 3 subunit delta 1; minus strand). Cytogenetic location: 19p13.3.
Variant type: single nucleotide variant.
Coding change: c.349C>T on transcript NM_001261826.3 (MANE Select); coding-DNA position 349, C replaced by T.
Protein change: p.Arg117Cys; replaces arginine 117 with cysteine.
Molecular consequence: missense variant.
Genome position (GRCh38, 1-based): chr19:2,137,016, G>A on the plus strand (C>T on the coding strand, the complement: AP3D1 is on the minus strand). VCF-style: chr19-2137016-G-A. GRCh37 (hg19) VCF-style: chr19-2137015-G-A.
Other names: c.349C>T, p.Arg117Cys (NM_001374799.1, NM_003938.8); short protein forms R117C.
Identifiers: ClinVar variation 1434996 (VCV001434996.9), dbSNP rs754787367, ClinGen allele CA9059772.
Genomic context (GRCh38, chr19:2,137,016, plus strand): 5'-CCGGCAAGGGCAGACTGCACTCAGCACAGAGCGGCCCCGGCCCGGGAACACCCACCTTAC[G>A]GATCTGATTGGTGGTCAGCATGATGACGTCGGTGCCTTCGTGAAAGCTCTGGGAAGCAGC-3'
Protein context (NP_001248755.1, residues 107-127): DVIMLTTNQI[Arg117Cys]KDLSSPSQYD

ClinVar aggregate classification (germline): Uncertain significance. Review status: criteria provided, multiple submitters, no conflicts (2 of 4 stars). 2 submissions from 2 submitters: Uncertain significance (2). Last evaluated 2025-06-29.

Conditions:
Hermansky-Pudlak syndrome 10 (HPS10). Identifiers: Orphanet 664511, MedGen C4310746, MONDO:0014885, OMIM 617050.

Allele frequency attached by ClinVar (database versions not stated): gnomAD 0.00001; gnomAD exomes 0.00001; TOPMed 0.00001; ExAC 0.00003.
gnomAD v4.1: 16 of 1,589,232 alleles (0.001%); highest among the groups gnomAD compares: Admixed American, 0.0017%; no homozygotes.

Submissions (2):

Labcorp Genetics (formerly Invitae), Labcorp
Classification: Uncertain significance. Last evaluated: 2025-06-29. Review status: criteria provided, single submitter. Criteria: Invitae Variant Classification Sherloc (09022015). Collection method: clinical testing. Allele origin: germline.
Comment: This sequence change replaces arginine, which is basic and polar, with cysteine, which is neutral and slightly polar, at codon 117 of the AP3D1 protein (p.Arg117Cys). The frequency data for this variant in the population databases is considered unreliable, as metrics indicate poor data quality at this position in the gnomAD database. This variant has not been reported in the literature in individuals affected with AP3D1-related conditions. ClinVar contains an entry for this variant (Variation ID: 1434996). An algorithm developed to predict the effect of missense changes on protein structure and function (PolyPhen-2) suggests that this variant is likely to be disruptive. In summary, the available evidence is currently insufficient to determine the role of this variant in disease. Therefore, it has been classified as a Variant of Uncertain Significance.

Fulgent Genetics
Classification: Uncertain significance for Hermansky-Pudlak syndrome 10. Last evaluated: 2024-03-14. Review status: criteria provided, single submitter. Criteria: ACMG Guidelines, 2015. Collection method: clinical testing. Allele origin: germline.